The following is an entry in ClinVar:

ClinVar aggregate classification (germline): Likely benign. Review status: reviewed by expert panel (3 of 4 stars). 4 submissions from 4 submitters: Likely benign (1). 3 of the submissions do not count toward it. Last evaluated 2025-12-19.

Conditions:
Immunodeficiency 14 (IMD14A). Also called: p110-DELTA-ACTIVATING MUTATION CAUSING SENESCENT T CELLS, LYMPHADENOPATHY, AND IMMUNODEFICIENCY; ACTIVATED PI3K-DELTA SYNDROME 1; IMMUNODEFICIENCY 14A WITH LYMPHOPROLIFERATION, AUTOSOMAL DOMINANT; Activated PI3K Delta Syndrome Type 1 (APDS1). Identifiers: Orphanet 397596, Orphanet 693661, MedGen C5907821, MONDO:0014222, OMIM 615513.
Inborn genetic diseases. Identifiers: MedGen C0950123, MeSH D030342.

Allele frequency attached by ClinVar (database versions not stated): gnomAD exomes 0.00001 and 0.00002; ExAC 0.00002; gnomAD 0.00009 and 0.00011; TOPMed 0.00017.

Submissions (4):

ClinGen Primary Immune Regulatory Disorders Variant Curation Expert Panel, ClinGen
Classification: Likely benign for Immunodeficiency 14. Last evaluated: 2025-12-19. Review status: reviewed by expert panel. Criteria: ClinGen AbDef ACMG Specifications PIK3CD V1.0.0. Collection method: curation. Allele origin: germline. Inheritance: Autosomal dominant inheritance.
Comment: NM_005026.5(PIK3CD):c.112C>T (p.Arg38Cys) is a missense variant causing replacement of arginine with cysteine at amino acid 38. This variant is present in gnomAD v4.1.0 at a total combined allele frequency of 0.00002358, with 37 alleles / 1,613,824 total alleles across all populations of gnomAD, which is higher than the ClinGen Antibody Deficiencies VCEP PM2_Supporting threshold of <0.00000132. The variant is present in gnomAD v.4.1.0 at a GrpMax allele frequency of 0.0002203, with 24 alleles / 74,832 total alleles in the African/African American population, which is lower than the BS1 threshold of >0.000316, so no population code can be applied. The computational predictor REVEL gives a score of 0.238, which is below the ClinGen Antibody Deficiencies VCEP threshold of <0.290 and predicts a non-damaging effect on PIK3CD function. The computational predictor CADD gives a PHRED score of 21.5, which is below the ClinGen Antibody Deficiencies VCEP threshold of <22.7 and predicts a non-deleterious effect on PIK3CD function. The two predictors agree on a non-damaging effect (BP4). In summary, this variant meets the criteria to be classified as likely benign for autosomal dominant immunodeficiency 14 based on the ACMG/AMP criteria applied, as specified by the ClinGen Antibody Deficiencies VCEP: BP4. (VCEP specifications version 1.0.0).

Labcorp Genetics (formerly Invitae), Labcorp
Classification: Uncertain significance for Activated PI3K-delta syndrome. Last evaluated: 2025-10-08. Review status: criteria provided, single submitter. Criteria: Invitae Variant Classification Sherloc (09022015). Collection method: clinical testing. Allele origin: germline. Not counted in ClinVar's aggregate classification.
Comment: This sequence change replaces arginine, which is basic and polar, with cysteine, which is neutral and slightly polar, at codon 38 of the PIK3CD protein (p.Arg38Cys). This variant is present in population databases (rs765729544, gnomAD 0.02%). This variant has not been reported in the literature in individuals affected with PIK3CD-related conditions. ClinVar contains an entry for this variant (Variation ID: 657939). Invitae Evidence Modeling of protein sequence and biophysical properties (such as structural, functional, and spatial information, amino acid conservation, physicochemical variation, residue mobility, and thermodynamic stability) indicates that this missense variant is not expected to disrupt PIK3CD protein function with a negative predictive value of 80%. In summary, the available evidence is currently insufficient to determine the role of this variant in disease. Therefore, it has been classified as a Variant of Uncertain Significance.

CeGaT Center for Human Genetics Tuebingen
Classification: Uncertain significance. Last evaluated: 2023-04-01. Review status: criteria provided, single submitter. Criteria: CeGaT Center For Human Genetics Tuebingen Variant Classification Criteria Version 2. Collection method: clinical testing. Allele origin: germline. Affected: yes. Observed: 1 variant allele. Not counted in ClinVar's aggregate classification.
Comment: PIK3CD: PP2, BP4

Ambry Genetics
Classification: Uncertain significance for Inborn genetic diseases. Last evaluated: 2021-07-28. Review status: criteria provided, single submitter. Criteria: Ambry Variant Classification Scheme 2023. Collection method: clinical testing. Allele origin: germline. Not counted in ClinVar's aggregate classification.

NM_005026.5(PIK3CD):c.112C>T (p.Arg38Cys)

Gene: PIK3CD (phosphatidylinositol-4,5-bisphosphate 3-kinase catalytic subunit delta; plus strand). Cytogenetic location: 1p36.22.
Variant type: single nucleotide variant.
Coding change: c.112C>T on transcript NM_005026.5 (MANE Select); coding-DNA position 112, C replaced by T.
Protein change: p.Arg38Cys; replaces arginine 38 with cysteine.
Molecular consequence: missense variant.
Genome position (GRCh38, 1-based): chr1:9,710,567, C>T. VCF-style: chr1-9710567-C-T. GRCh37 (hg19) VCF-style: chr1-9770625-C-T.
Other names: NM_005026.5(PIK3CD):c.112C>T; p.Arg38Cys; c.112C>T, p.Arg38Cys (NM_001350234.2, NM_001350235.1); c.112C>T (LRG_191t1); short protein forms R38C.
Identifiers: ClinVar variation 657939 (VCV000657939.39), dbSNP rs765729544, ClinGen allele CA576774.